The following is an entry in ClinVar:

ClinVar aggregate classification (germline): Uncertain significance. Review status: criteria provided, multiple submitters, no conflicts (2 of 4 stars). 2 submissions from 2 submitters: Uncertain significance (2). Last evaluated 2025-10-18.

Allele frequency attached by ClinVar (database versions not stated): gnomAD exomes 0.00003 and 0.00008; ExAC 0.00007; ESP Exome Variant Server 0.00015; TOPMed 0.00019; gnomAD 0.00022 and 0.00027.
gnomAD v4.1: 84 of 1,612,652 alleles (0.0052%); highest among the groups gnomAD compares: African/African-American, 0.063%; no homozygotes.

Submissions (2):

Labcorp Genetics (formerly Invitae), Labcorp
Classification: Uncertain significance. Last evaluated: 2025-10-18. Review status: criteria provided, single submitter. Criteria: Invitae Variant Classification Sherloc (09022015). Collection method: clinical testing. Allele origin: germline.
Comment: This sequence change replaces arginine, which is basic and polar, with histidine, which is basic and polar, at codon 261 of the DHX32 protein (p.Arg261His). This variant is present in population databases (rs370273918, gnomAD 0.06%), and has an allele count higher than expected for a pathogenic variant. This variant has not been reported in the literature in individuals affected with DHX32-related conditions. ClinVar contains an entry for this variant (Variation ID: 1415670). An algorithm developed to predict the effect of missense changes on protein structure and function outputs the following: PolyPhen-2: "Benign". The histidine amino acid residue is found in multiple mammalian species, which suggests that this missense change does not adversely affect protein function. In summary, the available evidence is currently insufficient to determine the role of this variant in disease. Therefore, it has been classified as a Variant of Uncertain Significance.

Ambry Genetics
Classification: Uncertain significance. Last evaluated: 2024-06-11. Review status: criteria provided, single submitter. Criteria: Ambry Variant Classification Scheme 2023. Collection method: clinical testing. Allele origin: germline.

NM_018180.3(DHX32):c.782G>A (p.Arg261His)

Gene: DHX32 (DEAH-box helicase 32 (putative); minus strand). Cytogenetic location: 10q26.2.
Variant type: single nucleotide variant.
Coding change: c.782G>A on transcript NM_018180.3 (MANE Select); coding-DNA position 782, G replaced by A.
Protein change: p.Arg261His; replaces arginine 261 with histidine.
Molecular consequence: missense variant.
Genome position (GRCh38, 1-based): chr10:125,859,670, C>T on the plus strand (G>A on the coding strand, the complement: DHX32 is on the minus strand). VCF-style: chr10-125859670-C-T. GRCh37 (hg19) VCF-style: chr10-127548239-C-T.
Other names: c.782G>A (NM_018180.2); short protein forms R261H.
Identifiers: ClinVar variation 1415670 (VCV001415670.7), dbSNP rs370273918, ClinGen allele CA5739388.